The following is an entry in ClinVar:

ClinVar aggregate classification (germline): Pathogenic/Likely pathogenic. Review status: criteria provided, multiple submitters, no conflicts (2 of 4 stars). 4 submissions from 4 submitters: Pathogenic (2); Likely pathogenic (1). 1 of the submissions does not count toward it. Last evaluated 2025-04-13.

Conditions:
Glycogen storage disease type III (GSD3). Also called: FORBES DISEASE; Cori disease. Identifiers: Orphanet 366, MedGen C0017922, MONDO:0009291, OMIM 232400.

Submissions (4):

Labcorp Genetics (formerly Invitae), Labcorp
Classification: Pathogenic for Glycogen storage disease type III. Last evaluated: 2025-04-13. Review status: criteria provided, single submitter. Criteria: Invitae Variant Classification Sherloc (09022015). Collection method: clinical testing. Allele origin: germline.
Comment: This sequence change creates a premature translational stop signal (p.Arg285Glnfs*3) in the AGL gene. It is expected to result in an absent or disrupted protein product. Loss-of-function variants in AGL are known to be pathogenic (PMID: 19299494). This variant is not present in population databases (gnomAD no frequency). This variant has not been reported in the literature in individuals affected with AGL-related conditions. ClinVar contains an entry for this variant (Variation ID: 555703). Algorithms developed to predict the effect of sequence changes on RNA splicing suggest that this variant may disrupt the consensus splice site. For these reasons, this variant has been classified as Pathogenic.

Baylor Genetics
Classification: Likely pathogenic for Glycogen storage disease type III. Last evaluated: 2024-03-05. Review status: criteria provided, single submitter. Criteria: ACMG Guidelines, 2015. Collection method: clinical testing. Allele origin: unknown.

Genome-Nilou Lab
Classification: Pathogenic for Glycogen storage disease type III. Last evaluated: 2021-07-15. Review status: criteria provided, single submitter. Criteria: ACMG Guidelines, 2015. Collection method: clinical testing. Allele origin: germline. Affected: no.

Counsyl
Classification: Likely pathogenic for Glycogen storage disease type III. Last evaluated: 2017-12-24. Review status: no assertion criteria provided. Collection method: clinical testing. Allele origin: unknown. Not counted in ClinVar's aggregate classification.

Literature cited by the submitters: PubMed 19299494 (cited by Labcorp Genetics (formerly Invitae), Labcorp).

NM_000642.3(AGL):c.854del (p.Arg285fs)

Gene: AGL (amylo-alpha-1,6-glucosidase and 4-alpha-glucanotransferase; plus strand). Cytogenetic location: 1p21.2.
Variant type: Deletion.
Coding change: c.854del on transcript NM_000642.3 (MANE Select); coding-DNA position 854, one base deleted (G; older notation c.854delG).
Protein change: p.Arg285fs; shifts the reading frame from arginine 285.
Molecular consequence: frameshift variant.
Genome position (GRCh38, 1-based): chr1:99,870,765, G deleted. VCF-style (leftmost placement, unchanged base first): chr1-99870764-CG-C. GRCh37 (hg19) VCF-style: chr1-100336320-CG-C.
Other names: c.854delG, p.Arg285Glnfs (NM_000028.3, NM_000643.3, NM_000644.3 and 3 more transcripts); c.806delG, p.Arg269Glnfs (NM_000646.3); c.854del (NM_000642.2); c.650delG, p.Arg217Glnfs (NM_001425328.1, NM_001425329.1); c.476delG, p.Arg159Glnfs (NM_001425332.1); short protein forms R269fs, R285fs.
Identifiers: ClinVar variation 555703 (VCV000555703.13), dbSNP rs1553184620, ClinGen allele CA658821090.
Genomic context (GRCh38, chr1:99,870,764, plus strand): 5'-GATTTTAAATAAGTATATGTATATATGTATTTTTTAACTATTGACATTTTTCAGTCCATC[CG>C]AAAAATAATTTGGGAGGATATTTTTCCAAAGCTTAAACTCTGGGAATTTTTCCAAGTAGA-3'